The following is an entry in ClinVar:

ClinVar aggregate classification (germline): Uncertain significance. Review status: criteria provided, multiple submitters, no conflicts (2 of 4 stars). 3 submissions from 3 submitters: Uncertain significance (3). Last evaluated 2025-01-24.

Conditions:
Inborn genetic diseases. Identifiers: MedGen C0950123, MeSH D030342.
Heimler syndrome 2 (HMLR2). Also called: PEROXISOME BIOGENESIS DISORDER 4C. Identifiers: Orphanet 3220, MedGen C4225267, OMIM 616617, MONDO:0014709.
Peroxisome biogenesis disorder. Identifiers: Orphanet 79189, MedGen C1832200, MONDO:0019234. Disease mechanism: loss of function.

Allele frequency attached by ClinVar (database versions not stated): TOPMed below 0.00001.
gnomAD v4.1: 8 of 1,606,110 alleles (0.0005%); highest among the groups gnomAD compares: South Asian, 0.0022%; no homozygotes.

Submissions (3):

Ambry Genetics
Classification: Uncertain significance for Inborn genetic diseases. Last evaluated: 2025-01-24. Review status: criteria provided, single submitter. Criteria: Ambry Variant Classification Scheme 2023. Collection method: clinical testing. Allele origin: germline.

Labcorp Genetics (formerly Invitae), Labcorp
Classification: Uncertain significance for Peroxisome biogenesis disorder. Last evaluated: 2024-02-24. Review status: criteria provided, single submitter. Criteria: Invitae Variant Classification Sherloc (09022015). Collection method: clinical testing. Allele origin: germline.
Comment: This sequence change replaces arginine, which is basic and polar, with glutamine, which is neutral and polar, at codon 575 of the PEX6 protein (p.Arg575Gln). The frequency data for this variant in the population databases is considered unreliable, as metrics indicate poor data quality at this position in the gnomAD database. This variant has not been reported in the literature in individuals affected with PEX6-related conditions. ClinVar contains an entry for this variant (Variation ID: 1028671). Advanced modeling of protein sequence and biophysical properties (such as structural, functional, and spatial information, amino acid conservation, physicochemical variation, residue mobility, and thermodynamic stability) performed at Invitae indicates that this missense variant is not expected to disrupt PEX6 protein function with a negative predictive value of 95%. In summary, the available evidence is currently insufficient to determine the role of this variant in disease. Therefore, it has been classified as a Variant of Uncertain Significance.

Baylor Genetics
Classification: Uncertain significance for Heimler syndrome 2. Last evaluated: 2020-06-09. Review status: criteria provided, single submitter. Criteria: ACMG Guidelines, 2015. Collection method: clinical testing. Allele origin: unknown. Affected: yes.
Comment: This variant was determined to be of uncertain significance according to ACMG Guidelines, 2015 [PMID:25741868].

NM_000287.4(PEX6):c.1724G>A (p.Arg575Gln)

Gene: PEX6 (peroxisomal biogenesis factor 6; minus strand). Cytogenetic location: 6p21.1.
Variant type: single nucleotide variant.
Coding change: c.1724G>A on transcript NM_000287.4 (MANE Select); coding-DNA position 1724, G replaced by A.
Protein change: p.Arg575Gln; replaces arginine 575 with glutamine.
Molecular consequence: missense variant. On other transcripts: non-coding transcript variant (1).
Genome position (GRCh38, 1-based): chr6:42,967,528, C>T on the plus strand (G>A on the coding strand, the complement: PEX6 is on the minus strand). VCF-style: chr6-42967528-C-T. GRCh37 (hg19) VCF-style: chr6-42935266-C-T.
Other names: c.1460G>A, p.Arg487Gln (NM_001316313.2); short protein forms R487Q, R575Q.
Identifiers: ClinVar variation 1028671 (VCV001028671.9), dbSNP rs754034834, ClinGen allele CA138224680.